The following is an entry in ClinVar:

ClinVar aggregate classification (germline): Uncertain significance (1 of 4 stars; one submission).

Submission:

Labcorp Genetics (formerly Invitae), Labcorp
Classification: Uncertain significance. Last evaluated: 2024-08-02. Review status: criteria provided, single submitter. Criteria: Invitae Variant Classification Sherloc (09022015). Collection method: clinical testing. Allele origin: germline.
Comment: This sequence change replaces phenylalanine, which is neutral and non-polar, with valine, which is neutral and non-polar, at codon 3549 of the DNAH9 protein (p.Phe3549Val). This variant is not present in population databases (gnomAD no frequency). This variant has not been reported in the literature in individuals affected with DNAH9-related conditions. Advanced modeling of protein sequence and biophysical properties (such as structural, functional, and spatial information, amino acid conservation, physicochemical variation, residue mobility, and thermodynamic stability) performed at Invitae indicates that this missense variant is expected to disrupt DNAH9 protein function with a positive predictive value of 80%. In summary, the available evidence is currently insufficient to determine the role of this variant in disease. Therefore, it has been classified as a Variant of Uncertain Significance.

NM_001372.4(DNAH9):c.10645T>G (p.Phe3549Val)

Genes: DNAH9 (dynein axonemal heavy chain 9; plus strand), LOC101928350 (uncharacterized LOC101928350; minus strand). Cytogenetic location: 17p12.
Variant type: single nucleotide variant.
Coding change: c.10645T>G on transcript NM_001372.4 (MANE Select); coding-DNA position 10645, T replaced by G.
Protein change: p.Phe3549Val; replaces phenylalanine 3549 with valine.
Molecular consequence: missense variant.
Genome position (GRCh38, 1-based): chr17:11,881,252, T>G. VCF-style: chr17-11881252-T-G. GRCh37 (hg19) VCF-style: chr17-11784569-T-G.
Other names: short protein forms F3549V.
Identifiers: ClinVar variation 3610034 (VCV003610034.2).